The following is an entry in ClinVar:

ClinVar aggregate classification (germline): Uncertain significance (1 of 4 stars; one submission).

Submission:

Labcorp Genetics (formerly Invitae), Labcorp
Classification: Uncertain significance. Last evaluated: 2025-10-29. Review status: criteria provided, single submitter. Criteria: Invitae Variant Classification Sherloc (09022015). Collection method: clinical testing. Allele origin: germline.
Comment: This sequence change replaces valine, which is neutral and non-polar, with phenylalanine, which is neutral and non-polar, at codon 2375 of the COL7A1 protein (p.Val2375Phe). This variant is not present in population databases (gnomAD no frequency). This variant has not been reported in the literature in individuals affected with COL7A1-related conditions. Invitae Evidence Modeling of protein sequence and biophysical properties (such as structural, functional, and spatial information, amino acid conservation, physicochemical variation, residue mobility, and thermodynamic stability) indicates that this missense variant is not expected to disrupt COL7A1 protein function with a negative predictive value of 95%. In summary, the available evidence is currently insufficient to determine the role of this variant in disease. Therefore, it has been classified as a Variant of Uncertain Significance.

NM_000094.4(COL7A1):c.7123G>T (p.Val2375Phe)

Gene: COL7A1 (collagen type VII alpha 1 chain; minus strand). Cytogenetic location: 3p21.31.
Variant type: single nucleotide variant.
Coding change: c.7123G>T on transcript NM_000094.4 (MANE Select); coding-DNA position 7123, G replaced by T.
Protein change: p.Val2375Phe; replaces valine 2375 with phenylalanine.
Molecular consequence: missense variant.
Genome position (GRCh38, 1-based): chr3:48,571,142, C>A on the plus strand (G>T on the coding strand, the complement: COL7A1 is on the minus strand). VCF-style: chr3-48571142-C-A. GRCh37 (hg19) VCF-style: chr3-48608575-C-A.
Other names: short protein forms V2375F.
Identifiers: ClinVar variation 4693879 (VCV004693879.1).